The following is an entry in ClinVar:

ClinVar aggregate classification (germline): Uncertain significance (1 of 4 stars; one submission).

Allele frequency attached by ClinVar (database versions not stated): gnomAD exomes below 0.00001.
gnomAD v4.1: 1 of 1,613,054 alleles (0.000062%); highest among the groups gnomAD compares: Non-Finnish European, 0.000085%; no homozygotes.

Submission:

Labcorp Genetics (formerly Invitae), Labcorp
Classification: Uncertain significance. Last evaluated: 2021-07-19. Review status: criteria provided, single submitter. Criteria: Invitae Variant Classification Sherloc (09022015). Collection method: clinical testing. Allele origin: germline.
Comment: This variant is not present in population databases (ExAC no frequency). In summary, the available evidence is currently insufficient to determine the role of this variant in disease. Therefore, it has been classified as a Variant of Uncertain Significance. Algorithms developed to predict the effect of missense changes on protein structure and function (SIFT, PolyPhen-2, Align-GVGD) all suggest that this variant is likely to be tolerated, but these predictions have not been confirmed by published functional studies and their clinical significance is uncertain. This variant has not been reported in the literature in individuals with CACNA1D-related conditions. This sequence change replaces proline with threonine at codon 837 of the CACNA1D protein (p.Pro837Thr). The proline residue is moderately conserved and there is a small physicochemical difference between proline and threonine.

NM_001128840.3(CACNA1D):c.2449C>A (p.Pro817Thr)

Gene: CACNA1D (calcium voltage-gated channel subunit alpha1 D; plus strand). Cytogenetic location: 3p21.1.
Variant type: single nucleotide variant.
Coding change: c.2449C>A on transcript NM_001128840.3 (MANE Select); coding-DNA position 2449, C replaced by A.
Protein change: p.Pro817Thr; replaces proline 817 with threonine.
Molecular consequence: missense variant.
Genome position (GRCh38, 1-based): chr3:53,732,058, C>A. VCF-style: chr3-53732058-C-A. GRCh37 (hg19) VCF-style: chr3-53766085-C-A.
Other names: c.2509C>A, p.Pro837Thr (NM_000720.4); c.2449C>A, p.Pro817Thr (NM_001128839.3); short protein forms P817T, P837T.
Identifiers: ClinVar variation 1491510 (VCV001491510.8), dbSNP rs879906631, ClinGen allele CA74853258.